The following is an entry in ClinVar:

NM_206933.4(USH2A):c.1582G>A (p.Asp528Asn)

Gene: USH2A (usherin; minus strand). Cytogenetic location: 1q41.
Variant type: single nucleotide variant.
Coding change: c.1582G>A on transcript NM_206933.4 (MANE Select); coding-DNA position 1582, G replaced by A.
Protein change: p.Asp528Asn; replaces aspartic acid 528 with asparagine.
Molecular consequence: missense variant.
Genome position (GRCh38, 1-based): chr1:216,321,945, C>T on the plus strand (G>A on the coding strand, the complement: USH2A is on the minus strand). VCF-style: chr1-216321945-C-T. GRCh37 (hg19) VCF-style: chr1-216495287-C-T.
Other names: c.1582G>A, p.Asp528Asn (NM_007123.6); short protein forms D528N.
Identifiers: ClinVar variation 166526 (VCV000166526.11), dbSNP rs551424240, ClinGen allele CA179588.
Genomic context (GRCh38, chr1:216,321,945, plus strand): 5'-GAAGTCCTTCAGTGAAGCTCTCCTGGGAGCAGAGGCATCTATATGGCTGGCTTGTTGTGT[C>T]GCAGTTATCGGCATGACCATGGCACTGACATCTGCAAACATGAGCATCACACACTCCTAA-3'
Protein context (NP_996816.3, residues 518-538): CQCHGHADNC[Asp528Asn]TTSQPYRCLC

ClinVar aggregate classification (germline): Uncertain significance. Review status: criteria provided, multiple submitters, no conflicts (2 of 4 stars). 7 submissions from 6 submitters: Uncertain significance (3). 4 of the submissions do not count toward it. Last evaluated 2023-11-04.

Conditions:
Retinitis pigmentosa 39 (RP39). Identifiers: Orphanet 791, MedGen C3151138, MONDO:0013436, OMIM 613809.
Usher syndrome type 2A. Also called: RETINAL DISEASE IN USHER SYNDROME TYPE IIA, MODIFIER OF; USHER SYNDROME, TYPE IIA. Identifiers: Orphanet 231178, Orphanet 886, MedGen C1848634, MONDO:0010169, OMIM 276901.

Allele frequency attached by ClinVar (database versions not stated): ExAC 0.00002; gnomAD 0.00002 and 0.00003; gnomAD exomes 0.00002.
gnomAD v4.1: 19 of 1,613,722 alleles (0.0012%); highest among the groups gnomAD compares: South Asian, 0.0088%; no homozygotes.

Submissions (7):

Genome-Nilou Lab
Classification: Uncertain significance for Retinitis pigmentosa 39. Last evaluated: 2023-11-04. Review status: criteria provided, single submitter. Criteria: ACMG Guidelines, 2015. Collection method: clinical testing. Allele origin: germline. Affected: no.

Genome-Nilou Lab
Classification: Uncertain significance for Usher syndrome type 2A. Last evaluated: 2023-11-04. Review status: criteria provided, single submitter. Criteria: ACMG Guidelines, 2015. Collection method: clinical testing. Allele origin: germline. Affected: no.

Laboratory for Molecular Medicine, Mass General Brigham Personalized Medicine
Classification: Uncertain significance. Last evaluated: 2014-12-24. Review status: criteria provided, single submitter. Criteria: LMM Criteria. Collection method: clinical testing. Allele origin: germline. Observed: 2 variant alleles.
Comment: The p.Asp528Asn variant in USH2A has not been previously reported in individuals with hearing loss but has been identified in 3/122780 chromosomes by the Exome Aggregation consortium (ExAC). Although this var iant was seen in the general population, its frequency is not high enough to rul e out a pathogenic role. The aspartic acid (Asp) residue at position 528 is mode rately conserved in mammals and evolutionary distant species, but two mammals (s quirrel and Cape golden mole) carry Asparagine (Asn), raising the possibility th at this change may be tolerated. Additional computational prediction tools do no t provide strong support for or against an impact to the protein. In summary, th e clinical significance of the in p.Asp528Asn variant is uncertain.

Natera, Inc.
Classification: Uncertain significance for Usher syndrome type 2A. Last evaluated: 2020-10-12. Review status: no assertion criteria provided. Collection method: clinical testing. Allele origin: germline. Not counted in ClinVar's aggregate classification.

Counsyl
Classification: Uncertain significance for Usher syndrome type 2A; Retinitis pigmentosa 39. Last evaluated: 2017-08-08. Review status: no assertion criteria provided. Collection method: clinical testing. Allele origin: unknown. Not counted in ClinVar's aggregate classification.

Clinical Genetics DNA and cytogenetics Diagnostics Lab, Erasmus MC, Erasmus Medical Center
Classification: Uncertain significance. Review status: no assertion criteria provided. Collection method: clinical testing. Allele origin: germline. Affected: yes. Study: VKGL Data-share Consensus. Not counted in ClinVar's aggregate classification.

Joint Genome Diagnostic Labs from Nijmegen and Maastricht, Radboudumc and MUMC+
Classification: Uncertain significance. Review status: no assertion criteria provided. Collection method: clinical testing. Allele origin: germline. Affected: yes. Study: VKGL Data-share Consensus. Not counted in ClinVar's aggregate classification.

Literature cited by the submitters: PubMed 28224992 (cited by Counsyl).